The following is an entry in ClinVar:

NM_001171.6(ABCC6):c.2511C>A (p.Tyr837Ter)

Gene: ABCC6 (ATP binding cassette subfamily C member 6; minus strand). Cytogenetic location: 16p13.11.
Variant type: single nucleotide variant.
Coding change: c.2511C>A on transcript NM_001171.6 (MANE Select); coding-DNA position 2511, C replaced by A.
Protein change: p.Tyr837Ter; replaces tyrosine 837 with a stop codon.
Molecular consequence: nonsense.
Genome position (GRCh38, 1-based): chr16:16,177,531, G>T on the plus strand (C>A on the coding strand, the complement: ABCC6 is on the minus strand). VCF-style: chr16-16177531-G-T. GRCh37 (hg19) VCF-style: chr16-16271388-G-T.
Other names: c.2169C>A, p.Tyr723Ter (NM_001351800.1); short protein forms Y837*, Y723*.
Identifiers: ClinVar variation 433277 (VCV000433277.6), dbSNP rs72650702, ClinGen allele CA278644264.

ClinVar aggregate classification (germline): Conflicting classifications of pathogenicity. Review status: criteria provided, conflicting classifications (1 of 4 stars). 4 submissions from 4 submitters: Pathogenic (1); Likely pathogenic (1); Uncertain significance (1). 1 of the submissions does not count toward it. Last evaluated 2026-07-27.

Conditions:
ABCC6-related disorder. Also called: ABCC6-related condition.
Autosomal recessive inherited pseudoxanthoma elasticum (PXE). Identifiers: Orphanet 758, MedGen CN032334, MONDO:0009925, OMIM 264800.

Allele frequency attached by ClinVar (database versions not stated): gnomAD exomes below 0.00001 and 0.00001.
gnomAD v4.1: 2 of 1,614,020 alleles (0.00012%); highest among the groups gnomAD compares: Admixed American, 0.0033%; no homozygotes.

Submissions (4):

PreventionGenetics, part of Exact Sciences
Classification: Likely pathogenic for ABCC6-related condition. Last evaluated: 2026-07-27. Review status: criteria provided, single submitter. Criteria: ACMG Guidelines, 2015. Collection method: clinical testing. Allele origin: germline.
Comment: The ABCC6 c.2511C>A variant is predicted to result in premature protein termination (p.Tyr837*). This variant has been reported in the heterozygous state in an individual with congenital heart disease (Table S7, Jin et al. 2017. PubMedID: 28991257); however, a second variant was not identified. This variant is reported in 0.0058% of alleles in individuals of Latino descent in gnomAD. Nonsense variants in ABCC6 are expected to be pathogenic. This variant is interpreted as likely pathogenic.

Labcorp Genetics (formerly Invitae), Labcorp
Classification: Pathogenic. Last evaluated: 2025-11-22. Review status: criteria provided, single submitter. Criteria: Invitae Variant Classification Sherloc (09022015). Collection method: clinical testing. Allele origin: germline.
Comment: This sequence change creates a premature translational stop signal (p.Tyr837*) in the ABCC6 gene. It is expected to result in an absent or disrupted protein product. Loss-of-function variants in ABCC6 are known to be pathogenic (PMID: 11536079, 17617515). This variant is present in population databases (rs72650702, gnomAD 0.006%). This variant has not been reported in the literature in individuals affected with ABCC6-related conditions. ClinVar contains an entry for this variant (Variation ID: 433277). Algorithms developed to predict the effect of sequence changes on RNA splicing suggest that this variant may disrupt the consensus splice site. For these reasons, this variant has been classified as Pathogenic.

GeneDx
Classification: Uncertain significance. Last evaluated: 2024-05-07. Review status: criteria provided, single submitter. Criteria: GeneDx Variant Classification Process June 2021. Collection method: clinical testing. Allele origin: germline. Affected: yes.
Comment: Observed in the heterozygous state in a patient with congenital heart defect and no second variant in the ABCC6 gene was identified (PMID: 28991257); Nonsense variant predicted to result in protein truncation or nonsense mediated decay in a gene for which loss of function is a known mechanism of disease; This variant is associated with the following publications: (PMID: 28991257)

PXE International
Classification: Likely pathogenic for Autosomal recessive inherited pseudoxanthoma elasticum. Last evaluated: 2021-03-02. Review status: no assertion criteria provided. Collection method: research. Allele origin: germline. Inheritance: Autosomal recessive inheritance. Affected: yes. Observed: 1 variant allele. Not counted in ClinVar's aggregate classification.

Literature cited by the submitters: PubMed 11536079 (cited by Labcorp Genetics (formerly Invitae), Labcorp); PubMed 17617515 (cited by Labcorp Genetics (formerly Invitae), Labcorp).